The following is an entry in ClinVar:

NM_001165963.4(SCN1A):c.5564C>T (p.Pro1855Leu)

Genes: SCN1A (sodium voltage-gated channel alpha subunit 1; minus strand), LOC102724058 (uncharacterized LOC102724058; plus strand). Cytogenetic location: 2q24.3.
Variant type: single nucleotide variant.
Coding change: c.5564C>T on transcript NM_001165963.4 (MANE Select); coding-DNA position 5564, C replaced by T.
Protein change: p.Pro1855Leu; replaces proline 1855 with leucine.
Molecular consequence: missense variant. On other transcripts: non-coding transcript variant (1).
Genome position (GRCh38, 1-based): chr2:165,991,711, G>A on the plus strand (C>T on the coding strand, the complement: SCN1A is on the minus strand). VCF-style: chr2-165991711-G-A. GRCh37 (hg19) VCF-style: chr2-166848221-G-A.
Other names: c.5480C>T, p.Pro1827Leu (NM_001165964.3, NM_001353957.2, NM_001353958.2); c.5564C>T, p.Pro1855Leu (NM_001202435.3, NM_001353948.2); c.5531C>T, p.Pro1844Leu (NM_001353949.2, NM_001353950.2, NM_001353951.2 and 2 more transcripts); c.5528C>T, p.Pro1843Leu (NM_001353954.2, NM_001353955.2); c.5477C>T, p.Pro1826Leu (NM_001353960.2); c.3122C>T, p.Pro1041Leu (NM_001353961.2); short protein forms P1844L, P1855L, P1041L, P1827L, P1843L, P1826L.
Identifiers: ClinVar variation 372740 (VCV000372740.3), dbSNP rs1057517958, ClinGen allele CA16042429.

ClinVar aggregate classification (germline): Pathogenic/Likely pathogenic. Review status: criteria provided, multiple submitters, no conflicts (2 of 4 stars). 2 submissions from 2 submitters: Pathogenic (1); Likely pathogenic (1). Last evaluated 2024-04-12.

Conditions:
Early-infantile DEE. Also called: Ohtahara syndrome; Early infantile epileptic encephalopathy with suppression bursts; Early infantile epileptic encephalopathy. Identifiers: Orphanet 1934, MedGen C0393706, MONDO:0800491.

Submissions (2):

Labcorp Genetics (formerly Invitae), Labcorp
Classification: Pathogenic for Early-infantile DEE. Last evaluated: 2024-04-12. Review status: criteria provided, single submitter. Criteria: Invitae Variant Classification Sherloc (09022015). Collection method: clinical testing. Allele origin: germline.
Comment: This sequence change replaces proline, which is neutral and non-polar, with leucine, which is neutral and non-polar, at codon 1855 of the SCN1A protein (p.Pro1855Leu). This variant is not present in population databases (gnomAD no frequency). This missense change has been observed in individual(s) with Dravet syndrome (PMID: 21248271). In at least one individual the variant was observed to be de novo. ClinVar contains an entry for this variant (Variation ID: 372740). Advanced modeling of protein sequence and biophysical properties (such as structural, functional, and spatial information, amino acid conservation, physicochemical variation, residue mobility, and thermodynamic stability) performed at Invitae indicates that this missense variant is expected to disrupt SCN1A protein function with a positive predictive value of 95%. For these reasons, this variant has been classified as Pathogenic.

GeneDx
Classification: Likely pathogenic. Last evaluated: 2016-07-01. Review status: criteria provided, single submitter. Criteria: GeneDx Variant Classification (06012015). Collection method: clinical testing. Allele origin: germline. Affected: yes.
Comment: A variant that is likely pathogenic has been identified in the SCN1A gene. The P1855L variant in the SCN1A gene has been reported previously as a de novo variant in an individual with Dravet syndrome (Zuberi et al., 2011). The P1855L variant is not observed in large population cohorts (Lek et al., 2016; 1000 Genomes Consortium et al., 2015; Exome Variant Server). The P1855L variant is a semi-conservative amino acid substitution, which may impact secondary protein structure as these residues differ in some properties. This substitution alters a conserved position predicted to be within the C-terminal cytoplasmic domain. Missense variants in nearby residues (M1852T, M1856T, V1857L) have been reported in the Human Gene Mutation Database in association with SCN1A-related disorders (Stenson et al., 2014), supporting the functional importance of this region of the protein. Additionally, in silico analysis predicts this variant is probably damaging to the protein structure/function. Therefore, this variant is likely pathogenic; however, the possibility that it is benign cannot be excluded.

Literature cited by the submitters: PubMed 21248271 (cited by Labcorp Genetics (formerly Invitae), Labcorp).